The following is an entry in ClinVar:

ClinVar aggregate classification (germline): Uncertain significance (1 of 4 stars; one submission).

Conditions:
Inborn genetic diseases. Identifiers: MedGen C0950123, MeSH D030342.

Submission:

Ambry Genetics
Classification: Uncertain significance for Inborn genetic diseases. Last evaluated: 2026-04-06. Review status: criteria provided, single submitter. Criteria: Ambry Variant Classification Scheme 2023. Collection method: clinical testing. Allele origin: germline.
Comment: The c.211C>T (p.P71S) alteration is located in exon 9 (coding exon 4) of the MYT1L gene. This alteration results from a C to T substitution at nucleotide position 211, causing the proline (P) at amino acid position 71 to be replaced by a serine (S). Based on data from gnomAD, the T allele has an overall frequency of <0.001% (0/174392) total alleles studied. The highest observed frequency was <0.001% (/) of alleles. Based on insufficient or conflicting evidence, the clinical significance of this alteration remains unclear.

NM_001303052.2(MYT1L):c.211C>T (p.Pro71Ser)

Gene: MYT1L (myelin transcription factor 1 like; minus strand). Cytogenetic location: 2p25.3.
Variant type: single nucleotide variant.
Coding change: c.211C>T on transcript NM_001303052.2 (MANE Select); coding-DNA position 211, C replaced by T.
Protein change: p.Pro71Ser; replaces proline 71 with serine.
Molecular consequence: missense variant.
Genome position (GRCh38, 1-based): chr2:1,943,276, G>A on the plus strand (C>T on the coding strand, the complement: MYT1L is on the minus strand). VCF-style: chr2-1943276-G-A. GRCh37 (hg19) VCF-style: chr2-1947048-G-A.
Other names: c.211C>T, p.Pro71Ser (NM_001329847.2, NM_001329848.1, NM_001329849.3 and 6 more transcripts); short protein forms P71S.
Identifiers: ClinVar variation 4860716 (VCV004860716.1).